The following is an entry in ClinVar:

ClinVar aggregate classification (germline): Uncertain significance (1 of 4 stars; one submission).

gnomAD v4.1: 1 of 1,614,052 alleles (0.000062%); no homozygotes.

Submission:

Ambry Genetics
Classification: Uncertain significance. Last evaluated: 2024-05-25. Review status: criteria provided, single submitter. Criteria: Ambry Variant Classification Scheme 2023. Collection method: clinical testing. Allele origin: germline.
Comment: The p.D918V variant (also known as c.2753A>T), located in coding exon 1 of the MLH3 gene, results from an A to T substitution at nucleotide position 2753. The aspartic acid at codon 918 is replaced by valine, an amino acid with highly dissimilar properties. This amino acid position is conserved. In addition, the in silico prediction for this alteration is inconclusive. Based on the available evidence, the clinical significance of this variant remains unclear.

NM_001040108.2(MLH3):c.2753A>T (p.Asp918Val)

Gene: MLH3 (mutL homolog 3; minus strand). Cytogenetic location: 14q24.3.
Variant type: single nucleotide variant.
Coding change: c.2753A>T on transcript NM_001040108.2 (MANE Select); coding-DNA position 2753, A replaced by T.
Protein change: p.Asp918Val; replaces aspartic acid 918 with valine.
Molecular consequence: missense variant.
Genome position (GRCh38, 1-based): chr14:75,046,903, T>A on the plus strand (A>T on the coding strand, the complement: MLH3 is on the minus strand). VCF-style: chr14-75046903-T-A. GRCh37 (hg19) VCF-style: chr14-75513606-T-A.
Other names: c.2753A>T, p.Asp918Val (NM_014381.3); short protein forms D918V.
Identifiers: ClinVar variation 3295152 (VCV003295152.1).
Genomic context (GRCh38, chr14:75,046,903, plus strand): 5'-GATGTTGGGATGACACCATTCTCTGTTTTTTCATGCTTGTTGTTAAATAACATACAAAAA[T>A]CTTGTGTTAACACACTGCACAACTTGCTGTCTTTCCTACTGGAATCTGAATTTGGAAGTT-3'
Protein context (NP_001035197.1, residues 908-928): DSKLCSVLTQ[Asp918Val]FCMLFNNKHE